The following is an entry in ClinVar:

NM_004706.4(ARHGEF1):c.833A>G (p.Glu278Gly)

Gene: ARHGEF1 (Rho guanine nucleotide exchange factor 1; plus strand). Cytogenetic location: 19q13.2.
Variant type: single nucleotide variant.
Coding change: c.833A>G on transcript NM_004706.4 (MANE Select); coding-DNA position 833, A replaced by G.
Protein change: p.Glu278Gly; replaces glutamic acid 278 with glycine.
Molecular consequence: missense variant. On other transcripts: non-coding transcript variant (2).
Genome position (GRCh38, 1-based): chr19:41,894,539, A>G. VCF-style: chr19-41894539-A-G. GRCh37 (hg19) VCF-style: chr19-42398612-A-G.
Other names: c.833A>G, p.Glu278Gly (NM_001396000.1, NM_001396003.1, NM_001396006.1); c.734A>G, p.Glu245Gly (NM_001396002.1, NM_001396004.1, NM_198977.2); c.878A>G, p.Glu293Gly (NM_199002.2); short protein forms E278G, E293G, E245G.
Identifiers: ClinVar variation 4727649 (VCV004727649.1).

ClinVar aggregate classification (germline): Uncertain significance (1 of 4 stars; one submission).

Submission:

Labcorp Genetics (formerly Invitae), Labcorp
Classification: Uncertain significance. Last evaluated: 2025-09-22. Review status: criteria provided, single submitter. Criteria: Invitae Variant Classification Sherloc (09022015). Collection method: clinical testing. Allele origin: germline.
Comment: This sequence change replaces glutamic acid, which is acidic and polar, with glycine, which is neutral and non-polar, at codon 293 of the ARHGEF1 protein (p.Glu293Gly). This variant is not present in population databases (gnomAD no frequency). This variant has not been reported in the literature in individuals affected with ARHGEF1-related conditions. An algorithm developed to predict the effect of missense changes on protein structure and function (PolyPhen-2) suggests that this variant is likely to be disruptive. In summary, the available evidence is currently insufficient to determine the role of this variant in disease. Therefore, it has been classified as a Variant of Uncertain Significance.